The following is an entry in ClinVar:

ClinVar aggregate classification (germline): Uncertain significance (1 of 4 stars; one submission).

Conditions:
ALG1-congenital disorder of glycosylation. Also called: ALG1-CDG; CONGENITAL DISORDER OF GLYCOSYLATION, TYPE Ik; CDG Ik. Identifiers: Orphanet 79327, MedGen C2931005, MONDO:0012052, OMIM 608540.

Allele frequency attached by ClinVar (database versions not stated): gnomAD exomes below 0.00001.
gnomAD v4.1: 7 of 1,600,740 alleles (0.00044%); highest among the groups gnomAD compares: African/African-American, 0.0053%; no homozygotes.

Submission:

Labcorp Genetics (formerly Invitae), Labcorp
Classification: Uncertain significance for ALG1-congenital disorder of glycosylation. Last evaluated: 2022-07-13. Review status: criteria provided, single submitter. Criteria: Invitae Variant Classification Sherloc (09022015). Collection method: clinical testing. Allele origin: germline.
Comment: This sequence change affects codon 239 of the ALG1 mRNA. It is a 'silent' change, meaning that it does not change the encoded amino acid sequence of the ALG1 protein. This variant is not present in population databases (gnomAD no frequency). This variant has not been reported in the literature in individuals affected with ALG1-related conditions. ClinVar contains an entry for this variant (Variation ID: 1417461). Algorithms developed to predict the effect of sequence changes on RNA splicing suggest that this variant may create or strengthen a splice site. In summary, the available evidence is currently insufficient to determine the role of this variant in disease. Therefore, it has been classified as a Variant of Uncertain Significance.

NM_019109.5(ALG1):c.717C>T (p.Ser239=)

Gene: ALG1 (ALG1 chitobiosyldiphosphodolichol beta-mannosyltransferase; plus strand). Cytogenetic location: 16p13.3.
Variant type: single nucleotide variant.
Coding change: c.717C>T on transcript NM_019109.5 (MANE Select); coding-DNA position 717, C replaced by T.
Protein change: p.Ser239=; no amino-acid change (serine 239 retained).
Molecular consequence: synonymous variant.
Genome position (GRCh38, 1-based): chr16:5,077,994, C>T. VCF-style: chr16-5077994-C-T. GRCh37 (hg19) VCF-style: chr16-5127995-C-T.
Other names: c.384C>T, p.Ser128= (NM_001330504.2).
Identifiers: ClinVar variation 1417461 (VCV001417461.5), dbSNP rs1956945310, ClinGen allele CA493333976.
Genomic context (GRCh38, chr16:5,077,994, plus strand): 5'-ATCTTTCTTTAAAGAGACACCTCTGGACCTGCAGCACCGGCTCTTCATGAAGCTGGGCAG[C>T]ATGCACTCTCCGTTCAGGGCCCGGTAGGCCTCCCATCCTCAGCTGCCTTCTCTCCTGCTC-3'
Protein context (NP_061982.3, residues 229-249): LQHRLFMKLG[Ser239=]MHSPFRARSE